The following is an entry in ClinVar:

NM_000426.4(LAMA2):c.389del (p.Leu130fs)

Gene: LAMA2 (laminin subunit alpha 2; plus strand). Cytogenetic location: 6q22.33.
Variant type: Deletion.
Coding change: c.389del on transcript NM_000426.4 (MANE Select); coding-DNA position 389, one base deleted (T; older notation c.389delT).
Protein change: p.Leu130fs; shifts the reading frame from leucine 130.
Molecular consequence: frameshift variant.
Genome position (GRCh38, 1-based): chr6:129,059,889, T deleted; the last of 3 consecutive T bases (chr6:129,059,887-129,059,889); deleting any one gives the same sequence. VCF-style (leftmost placement, unchanged base first): chr6-129059886-AT-A. GRCh37 (hg19) VCF-style: chr6-129381031-AT-A.
Other names: c.389del, p.Leu130fs (NM_001079823.2); short protein forms L130fs.
Identifiers: ClinVar variation 1726540 (VCV001726540.3), dbSNP rs2482280381, ClinGen allele CA2578736475.

ClinVar aggregate classification (germline): Likely pathogenic (1 of 4 stars; one submission).

Conditions:
LAMA2-related muscular dystrophy (LAMA2-RD). Also called: Laminin alpha 2-related dystrophy. Identifiers: MedGen C5679788, MONDO:0100228.

Submission:

Myriad Genetics, Inc.
Classification: Likely pathogenic for LAMA2-related muscular dystrophy. Last evaluated: 2021-12-18. Review status: criteria provided, single submitter. Criteria: Myriad Autosomal Dominant, Autosomal Recessive and X-Linked Classification Criteria (2023). Collection method: clinical testing. Allele origin: unknown.
Comment: NM_000426.3(LAMA2):c.389delT(L130Yfs*10) is expected to be pathogenic in the context of muscular dystrophy, LAMA2-related. This variant is predicted to lead to an abnormal or absent protein product due to the creation of a premature termination codon in LAMA2, a gene where loss-of-function variants are known to be pathogenic. Please note: this variant was assessed in the context of healthy population screening.